The following is an entry in ClinVar:

NM_000455.5(STK11):c.1062C>G (p.Phe354Leu)

Genes: STK11 (serine/threonine kinase 11; plus strand), LOC130062899 (ATAC-STARR-seq lymphoblastoid active region 13597; plus strand). Cytogenetic location: 19p13.3.
Variant type: single nucleotide variant.
Coding change: c.1062C>G on transcript NM_000455.5 (MANE Select); coding-DNA position 1062, C replaced by G.
Protein change: p.Phe354Leu; replaces phenylalanine 354 with leucine.
Molecular consequence: missense variant.
Genome position (GRCh38, 1-based): chr19:1,223,126, C>G. VCF-style: chr19-1223126-C-G. GRCh37 (hg19) VCF-style: chr19-1223125-C-G.
Other names: p.F354L:TTC>TTG; short protein forms F354L.
Identifiers: ClinVar variation 7461 (VCV000007461.92), dbSNP rs59912467, ClinGen allele CA022247.

ClinVar aggregate classification (germline): Benign/Likely benign. Review status: criteria provided, multiple submitters, no conflicts (2 of 4 stars). 37 submissions from 37 submitters: Benign (17); Likely benign (4). 16 of the submissions do not count toward it. Last evaluated 2026-09-01.

Conditions:
Peutz-Jeghers syndrome (PJS). Also called: Peutz-Jeghers polyposis; Periorificial lentiginosis syndrome; POLYPOSIS, HAMARTOMATOUS INTESTINAL; POLYPS-AND-SPOTS SYNDROME. Identifiers: Orphanet 2869, MedGen C0031269, MeSH D010580, MONDO:0008280, OMIM 175200.
Carcinoma of pancreas. Also called: PANCREATIC ACINAR CARCINOMA; PANCREATIC CARCINOMA; Pancreatic cancer, somatic; Pancreatic carcinoma, somatic; Exocrine pancreatic carcinoma. Identifiers: Orphanet 1333, Orphanet 217074, MedGen C0235974, MONDO:0005192. Disease mechanism: loss of function.
Germ cell tumor of testis (TGCT). Also called: Testicular germ cell tumor; GERM CELL TUMOR, SOMATIC. Identifiers: Orphanet 363504, MedGen C1336708, MONDO:0010108, OMIM 273300.
Melanoma, cutaneous malignant, susceptibility to, 1 (CMM1). Also called: B-K MOLE SYNDROME; MELANOMA, MALIGNANT; DYSPLASTIC NEVUS SYNDROME, HEREDITARY; FAMILIAL ATYPICAL MOLE-MALIGNANT MELANOMA SYNDROME. Identifiers: Orphanet 618, MedGen C1835047, MONDO:0007963, OMIM 155600.
Azoospermia. Identifiers: MedGen C0004509, MeSH D053713, MONDO:0100459, HP:0000027, MONDO:0004983.
Breast and/or ovarian cancer. Identifiers: MedGen CN221562.
Hereditary cancer-predisposing syndrome. Also called: Hereditary neoplastic syndrome; Hereditary Cancer Syndrome; Neoplastic Syndromes, Hereditary; Tumor predisposition. Identifiers: Orphanet 140162, MedGen C0027672, MeSH D009386, MONDO:0015356.
Malignant tumor of breast. Also called: Malignant breast neoplasm; Cancer breast. Identifiers: MedGen C0006142, MONDO:0007254. Disease mechanism: loss of function.

Allele frequency attached by ClinVar (database versions not stated): TOPMed 0.00542; 1000 Genomes Project 30x 0.01046; gnomAD 0.00348; 1000 Genomes Project 0.01118.
gnomAD v4.1: 8,225 of 1,611,676 alleles (0.51%); highest among the groups gnomAD compares: East Asian, 4%; 56 homozygotes.

Submissions 1 to 23 of 37:

CeGaT Center for Human Genetics Tuebingen
Classification: Benign. Last evaluated: 2026-09-01. Review status: criteria provided, single submitter. Criteria: CeGaT Center For Human Genetics Tuebingen Variant Classification Criteria Version 2. Collection method: clinical testing. Allele origin: germline. Affected: yes. Observed: 55 variant alleles.
Comment: STK11: BS1, BS2

Labcorp Genetics (formerly Invitae), Labcorp
Classification: Benign for Peutz-Jeghers syndrome. Last evaluated: 2026-02-04. Review status: criteria provided, single submitter. Criteria: Invitae Variant Classification Sherloc (09022015). Collection method: clinical testing. Allele origin: germline.

Dasa
Classification: Benign. Last evaluated: 2025-12-24. Review status: criteria provided, single submitter. Criteria: DASA Assertion Criteria. Collection method: clinical testing. Allele origin: germline.
Comment: NM_000455.5(STK11):c.1062C>G (p.Phe354Leu) is a missense variant that results in the substitution of phenylalanine with leucine. Population frequency is inconsistent with a disease-causing role for this variant, and observations in unaffected individuals support a benign interpretation. Therefore, based on the currently available evidence, this variant is classified as benign.

ARUP Laboratories, Molecular Genetics and Genomics, ARUP Laboratories
Classification: Benign. Last evaluated: 2025-05-28. Review status: criteria provided, single submitter. Criteria: ARUP Molecular Germline Variant Investigation Process 2024. Collection method: clinical testing. Allele origin: germline.

Center for Genomic Medicine, Rigshospitalet, Copenhagen University Hospital
Classification: Benign. Last evaluated: 2025-03-04. Review status: criteria provided, single submitter. Criteria: ACMG Guidelines, 2015. Collection method: clinical testing. Allele origin: germline.

All of Us Research Program, National Institutes of Health
Classification: Benign for Peutz-Jeghers syndrome. Last evaluated: 2024-09-27. Review status: criteria provided, single submitter. Criteria: ACMG Guidelines, 2015. Collection method: clinical testing. Allele origin: germline. Inheritance: Autosomal dominant inheritance. Observed: 1,288 variant alleles, 1,284 heterozygotes, 4 homozygotes.
Comment: This study involves interpretation of variants in research participants for the purpose of population health screening. Participant phenotype was not available at the time of variant classification. Additional details can be found in publication PMID: 35346344, PMCID: PMC8962531

Myriad Genetics, Inc.
Classification: Benign for Peutz-Jeghers syndrome. Last evaluated: 2023-04-14. Review status: criteria provided, single submitter. Criteria: Myriad Autosomal Dominant, Autosomal Recessive and X-Linked Classification Criteria (2023). Collection method: clinical testing. Allele origin: unknown.
Comment: This variant is considered benign. This variant has been observed at a population frequency that is significantly greater than expected given the associated disease prevalence and penetrance.

Fulgent Genetics
Classification: Likely benign for Melanoma, cutaneous malignant, susceptibility to, 1; Peutz-Jeghers syndrome; Familial pancreatic carcinoma; Germ cell tumor of testis. Last evaluated: 2021-10-21. Review status: criteria provided, single submitter. Criteria: ACMG Guidelines, 2015. Collection method: clinical testing. Allele origin: unknown.

Genome-Nilou Lab
Classification: Likely benign for Peutz-Jeghers syndrome. Last evaluated: 2021-07-15. Review status: criteria provided, single submitter. Criteria: ACMG Guidelines, 2015. Collection method: clinical testing. Allele origin: germline. Affected: no.

Sema4
Classification: Benign for Hereditary cancer-predisposing syndrome. Last evaluated: 2020-06-10. Review status: criteria provided, single submitter. Criteria: Sema4 Curation Guidelines. Collection method: curation. Allele origin: germline.

CHEO Genetics Diagnostic Laboratory, Children's Hospital of Eastern Ontario
Classification: Benign for Breast and/or ovarian cancer. Last evaluated: 2019-05-06. Review status: criteria provided, single submitter. Criteria: ACMG Guidelines, 2015. Collection method: clinical testing. Allele origin: germline.

Illumina Laboratory Services, Illumina
Classification: Benign for Peutz-Jeghers syndrome. Last evaluated: 2018-03-06. Review status: criteria provided, single submitter. Criteria: ICSL Variant Classification Criteria 13 December 2019. Collection method: clinical testing. Allele origin: germline.
Comment: This variant was observed in the ICSL laboratory as part of a predisposition screen in an ostensibly healthy population. It had not been previously curated by ICSL or reported in the Human Gene Mutation Database (HGMD: prior to June 1st, 2018), and was therefore a candidate for classification through an automated scoring system. Utilizing variant allele frequency, disease prevalence and penetrance estimates, and inheritance mode, an automated score was calculated to assess if this variant is too frequent to cause the disease. Based on the score and internal cut-off values, a variant classified as benign is not then subjected to further curation. The score for this variant resulted in a classification of benign for this disease.

Institute for Biomarker Research, Medical Diagnostic Laboratories, L.L.C.
Classification: Likely benign for Hereditary cancer-predisposing syndrome. Last evaluated: 2018-01-16. Review status: criteria provided, single submitter. Criteria: ACMG Guidelines, 2015. Collection method: clinical testing. Allele origin: germline.

Eurofins Ntd Llc (ga)
Classification: Benign. Last evaluated: 2017-02-01. Review status: criteria provided, single submitter. Criteria: EGL Classification Definitions 2015. Collection method: clinical testing. Allele origin: germline. Observed: 1 variant allele, 1 heterozygote.

Laboratory for Molecular Medicine, Mass General Brigham Personalized Medicine
Classification: Benign. Last evaluated: 2016-03-28. Review status: criteria provided, single submitter. Criteria: LMM Criteria. Collection method: clinical testing. Allele origin: germline.
Comment: Variant identified in a genome or exome case(s) and assessed due to predicted null impact of the variant or pathogenic assertions in the literature or databases. Disclaimer: This variant has not undergone full assessment. The following are preliminary notes: ExAC: 3.7% (283/7750) East Asian chromosomes; ClinVar: 3 benign, 1 VUS

Vantari Genetics
Classification: Benign for Hereditary cancer-predisposing syndrome. Last evaluated: 2015-12-18. Review status: criteria provided, single submitter. Criteria: ACMG Guidelines, 2015. Collection method: clinical testing. Allele origin: germline.

GeneDx
Classification: Benign. Last evaluated: 2015-03-03. Review status: criteria provided, single submitter. Criteria: GeneDx Variant Classification Process June 2021. Collection method: clinical testing. Allele origin: germline. Affected: yes.
Comment: This variant is associated with the following publications: (PMID: 20393878, 24604241, 22995991, 20722467, 25333069, 20981092, 24728327, 15121768, 25751324, 26182300, 22942091, 27153395, 24928005, 28185117, 30092773, 30334930, 33250696)

Color Diagnostics, LLC DBA Color Health
Classification: Benign for Hereditary cancer-predisposing syndrome. Last evaluated: 2014-11-05. Review status: criteria provided, single submitter. Criteria: ACMG Guidelines, 2015. Collection method: clinical testing. Allele origin: germline.

Ambry Genetics
Classification: Benign for Hereditary cancer-predisposing syndrome. Last evaluated: 2014-07-15. Review status: criteria provided, single submitter. Criteria: Ambry Variant Classification Scheme 2023. Collection method: clinical testing. Allele origin: germline.

Breakthrough Genomics
Classification: Likely benign. Review status: criteria provided, single submitter. Criteria: ACMG Guidelines, 2015. Collection method: not provided. Allele origin: germline. Inheritance: Autosomal dominant inheritance. Affected: yes.

PreventionGenetics, part of Exact Sciences
Classification: Benign. Review status: criteria provided, single submitter. Criteria: ACMG Guidelines, 2015. Collection method: clinical testing. Allele origin: germline.

Mayo Clinic Laboratories, Mayo Clinic
Classification: Benign. Last evaluated: 2018-01-24. Review status: no assertion criteria provided. Collection method: clinical testing. Allele origin: unknown. Not counted in ClinVar's aggregate classification.

True Health Diagnostics
Classification: Likely benign for Hereditary cancer-predisposing syndrome. Last evaluated: 2018-01-12. Review status: no assertion criteria provided. Collection method: clinical testing. Allele origin: germline. Not counted in ClinVar's aggregate classification.